The following is an entry in ClinVar:

NM_001458.5(FLNC):c.6388G>A (p.Gly2130Ser)

Genes: FLNC (filamin C; plus strand), FLNC-AS1 (FLNC antisense RNA 1; minus strand). Cytogenetic location: 7q32.1.
Variant type: single nucleotide variant.
Coding change: c.6388G>A on transcript NM_001458.5 (MANE Select); coding-DNA position 6388, G replaced by A.
Protein change: p.Gly2130Ser; replaces glycine 2130 with serine.
Molecular consequence: missense variant.
Genome position (GRCh38, 1-based): chr7:128,853,741, G>A. VCF-style: chr7-128853741-G-A. GRCh37 (hg19) VCF-style: chr7-128493795-G-A.
Other names: c.6289G>A, p.Gly2097Ser (NM_001127487.2); short protein forms G2097S, G2130S.
Identifiers: ClinVar variation 649803 (VCV000649803.38), dbSNP rs375778608, ClinGen allele CA4475969.

ClinVar aggregate classification (germline): Uncertain significance. Review status: criteria provided, multiple submitters, no conflicts (2 of 4 stars). 4 submissions from 4 submitters: Uncertain significance (4). Last evaluated 2025-12-23.

Conditions:
Hypertrophic cardiomyopathy 26. Also called: Cardiomyopathy, familial hypertrophic, 26. Identifiers: Orphanet 75249, MedGen C4310749, MONDO:0014883, OMIM 617047.
Myofibrillar myopathy 5. Also called: Filaminopathy (type); FILAMINOPATHY, AUTOSOMAL DOMINANT. Identifiers: Orphanet 171445, MedGen C1836050, MONDO:0012289, OMIM 609524.
Distal myopathy with posterior leg and anterior hand involvement. Also called: WILLIAMS DISTAL MYOPATHY. Identifiers: Orphanet 63273, MedGen C3279722, MONDO:0013550, OMIM 614065.
Cardiovascular phenotype. Identifiers: MedGen CN230736.

Allele frequency attached by ClinVar (database versions not stated): gnomAD exomes below 0.00001 and 0.00001; ExAC 0.00001; gnomAD 0.00001; TOPMed 0.00001; ESP Exome Variant Server 0.00008.
gnomAD v4.1: 8 of 1,613,764 alleles (0.0005%); highest among the groups gnomAD compares: Non-Finnish European, 0.00068%; no homozygotes.

Submissions (4):

Labcorp Genetics (formerly Invitae), Labcorp
Classification: Uncertain significance for Distal myopathy with posterior leg and anterior hand involvement; Myofibrillar myopathy 5; Hypertrophic cardiomyopathy 26. Last evaluated: 2025-12-23. Review status: criteria provided, single submitter. Criteria: Invitae Variant Classification Sherloc (09022015). Collection method: clinical testing. Allele origin: germline.
Comment: This sequence change replaces glycine, which is neutral and non-polar, with serine, which is neutral and polar, at codon 2130 of the FLNC protein (p.Gly2130Ser). This variant is present in population databases (rs375778608, gnomAD 0.002%). This variant has not been reported in the literature in individuals affected with FLNC-related conditions. ClinVar contains an entry for this variant (Variation ID: 649803). Invitae Evidence Modeling of protein sequence and biophysical properties (such as structural, functional, and spatial information, amino acid conservation, physicochemical variation, residue mobility, and thermodynamic stability) has been performed for this missense variant. However, the output from this modeling did not meet the statistical confidence thresholds required to predict the impact of this variant on FLNC protein function. In summary, the available evidence is currently insufficient to determine the role of this variant in disease. Therefore, it has been classified as a Variant of Uncertain Significance.

Ambry Genetics
Classification: Uncertain significance for Cardiovascular phenotype. Last evaluated: 2025-06-17. Review status: criteria provided, single submitter. Criteria: Ambry Variant Classification Scheme 2023. Collection method: clinical testing. Allele origin: germline.
Comment: The p.G2130S variant (also known as c.6388G>A), located in coding exon 39 of the FLNC gene, results from a G to A substitution at nucleotide position 6388. The glycine at codon 2130 is replaced by serine, an amino acid with similar properties. This variant was reported in individual(s) with features consistent with hypertrophic cardiomyopathy (Ambry internal data). This amino acid position is highly conserved in available vertebrate species. In addition, the in silico prediction for this alteration is inconclusive. Based on the available evidence, the clinical significance of this variant remains unclear.

GeneDx
Classification: Uncertain significance. Last evaluated: 2024-02-21. Review status: criteria provided, single submitter. Criteria: GeneDx Variant Classification Process June 2021. Collection method: clinical testing. Allele origin: germline. Affected: yes.
Comment: Has not been previously published as pathogenic or benign to our knowledge; Not observed at a significant frequency in large population cohorts (gnomAD); In silico analysis, which includes protein predictors and evolutionary conservation, supports a deleterious effect

CeGaT Center for Human Genetics Tuebingen
Classification: Uncertain significance. Last evaluated: 2024-02-01. Review status: criteria provided, single submitter. Criteria: CeGaT Center For Human Genetics Tuebingen Variant Classification Criteria Version 2. Collection method: clinical testing. Allele origin: germline. Affected: yes. Observed: 1 variant allele.